The following is an entry in ClinVar:

NM_170606.3(KMT2C):c.4979A>T (p.Asn1660Ile)

Gene: KMT2C (lysine methyltransferase 2C; minus strand). Cytogenetic location: 7q36.1.
Variant type: single nucleotide variant.
Coding change: c.4979A>T on transcript NM_170606.3 (MANE Select); coding-DNA position 4979, A replaced by T.
Protein change: p.Asn1660Ile; replaces asparagine 1660 with isoleucine.
Molecular consequence: missense variant.
Genome position (GRCh38, 1-based): chr7:152,187,291, T>A on the plus strand (A>T on the coding strand, the complement: KMT2C is on the minus strand). VCF-style: chr7-152187291-T-A. GRCh37 (hg19) VCF-style: chr7-151884376-T-A.
Other names: short protein forms N1660I.
Identifiers: ClinVar variation 3900412 (VCV003900412.1).
Genomic context (GRCh38, chr7:152,187,291, plus strand): 5'-GTAAAACAGAAATAATATATTCATGGCTTACCAGGGAATTCTTCCTTTAAGTTGGGGAAA[T>A]TAATATTGGTGTAGAGAACTGGGGCAACAGTTGCCATTTCACCCAGAGCCTCCTCTTTCT-3'
Protein context (NP_733751.2, residues 1650-1670): TVAPVLYTNI[Asn1660Ile]FPNLKEEFPD

ClinVar aggregate classification (germline): Uncertain significance (1 of 4 stars; one submission).

Submission:

GeneDx
Classification: Uncertain significance. Last evaluated: 2024-11-26. Review status: criteria provided, single submitter. Criteria: GeneDx Variant Classification Process June 2021. Collection method: clinical testing. Allele origin: germline. Affected: yes.
Comment: Not observed at significant frequency in large population cohorts (gnomAD); In silico analysis supports that this missense variant has a deleterious effect on protein structure/function; Has not been previously published as pathogenic or benign to our knowledge